The following is an entry in ClinVar:

NM_001382391.1(CSPP1):c.1061A>G (p.Asp354Gly)

Gene: CSPP1 (centrosome and spindle pole associated protein 1; plus strand). Cytogenetic location: 8q13.2.
Variant type: single nucleotide variant.
Coding change: c.1061A>G on transcript NM_001382391.1 (MANE Select); coding-DNA position 1061, A replaced by G.
Protein change: p.Asp354Gly; replaces aspartic acid 354 with glycine.
Molecular consequence: missense variant.
Genome position (GRCh38, 1-based): chr8:67,105,943, A>G. VCF-style: chr8-67105943-A-G. GRCh37 (hg19) VCF-style: chr8-68018178-A-G.
Other names: c.206A>G, p.Asp69Gly (NM_001291339.2); c.980A>G, p.Asp327Gly (NM_001363131.2, NM_001363133.2); c.1061A>G, p.Asp354Gly (NM_001363132.2); c.1169A>G, p.Asp390Gly (NM_001364869.1); c.989A>G, p.Asp330Gly (NM_001364870.1); c.1088A>G, p.Asp363Gly (NM_024790.7); short protein forms D363G, D354G, D327G, D330G, D390G, D69G.
Identifiers: ClinVar variation 579663 (VCV000579663.16), dbSNP rs146127619, ClinGen allele CA4770429.

ClinVar aggregate classification (germline): Conflicting classifications of pathogenicity. Review status: criteria provided, conflicting classifications (1 of 4 stars). 3 submissions from 3 submitters: Uncertain significance (1); Likely benign (2). Last evaluated 2026-01-05.

Conditions:
Joubert syndrome 21 (JBTS21). Identifiers: MedGen C3810212, MONDO:0014288, OMIM 615636.

Allele frequency attached by ClinVar (database versions not stated): gnomAD 0.00084 and 0.00093; ESP Exome Variant Server 0.00059; 1000 Genomes Project 0.00060; 1000 Genomes Project 30x 0.00078; TOPMed 0.00079.
gnomAD v4.1: 239 of 1,595,590 alleles (0.015%); highest among the groups gnomAD compares: African/African-American, 0.29%; no homozygotes.

Submissions (3):

Labcorp Genetics (formerly Invitae), Labcorp
Classification: Likely benign for Joubert syndrome 21. Last evaluated: 2026-01-05. Review status: criteria provided, single submitter. Criteria: Invitae Variant Classification Sherloc (09022015). Collection method: clinical testing. Allele origin: germline.

Blueprint Genetics
Classification: Likely benign. Last evaluated: 2024-07-08. Review status: criteria provided, single submitter. Criteria: ACMG Guidelines, 2015. Collection method: clinical testing. Allele origin: germline.

GeneDx
Classification: Uncertain significance. Last evaluated: 2024-05-30. Review status: criteria provided, single submitter. Criteria: GeneDx Variant Classification Process June 2021. Collection method: clinical testing. Allele origin: germline. Affected: yes.
Comment: In silico analysis indicates that this missense variant does not alter protein structure/function; In silico analysis supports a deleterious effect on splicing; Has not been previously published as pathogenic or benign to our knowledge; This variant is associated with the following publications: (PMID: 35304488)